The following is an entry in ClinVar:

NM_006031.6(PCNT):c.6150+9del

Gene: PCNT (pericentrin; plus strand). Cytogenetic location: 21q22.3.
Variant type: Deletion.
Coding change: c.6150+9del on transcript NM_006031.6 (MANE Select); 9 bases into the intron after coding-DNA position 6150, one base deleted (A; older notation c.6150+9delA).
Molecular consequence: intron variant.
Genome position (GRCh38, 1-based): chr21:46,413,001, A deleted. VCF-style (leftmost placement, unchanged base first): chr21-46413000-GA-G. GRCh37 (hg19) VCF-style: chr21-47832914-GA-G.
Other names: c.6150+9delA (NM_006031.5); c.5796+9del (NM_001315529.2).
Identifiers: ClinVar variation 2788042 (VCV002788042.4), dbSNP rs2518783476, ClinGen allele CA2739265685.

ClinVar aggregate classification (germline): Likely benign. Review status: criteria provided, single submitter (1 of 4 stars). 2 submissions from 2 submitters: Likely benign (1). 1 of the submissions does not count toward it. Last evaluated 2023-08-24.

Conditions:
PCNT-related disorder. Also called: PCNT-related condition.

Submissions (2):

Labcorp Genetics (formerly Invitae), Labcorp
Classification: Likely benign. Last evaluated: 2023-08-24. Review status: criteria provided, single submitter. Criteria: Invitae Variant Classification Sherloc (09022015). Collection method: clinical testing. Allele origin: germline.

PreventionGenetics, part of Exact Sciences
Classification: Likely benign for PCNT-related condition. Last evaluated: 2024-03-24. Review status: no assertion criteria provided. Collection method: clinical testing. Allele origin: germline. Not counted in ClinVar's aggregate classification.
Comment: This variant is classified as likely benign based on ACMG/AMP sequence variant interpretation guidelines (Richards et al. 2015 PMID: 25741868, with internal and published modifications).